The following is an entry in ClinVar:

NM_022089.4(ATP13A2):c.1170C>A (p.His390Gln)

Gene: ATP13A2 (ATPase cation transporting 13A2; minus strand). Cytogenetic location: 1p36.13.
Variant type: single nucleotide variant.
Coding change: c.1170C>A on transcript NM_022089.4 (MANE Select); coding-DNA position 1170, C replaced by A.
Protein change: p.His390Gln; replaces histidine 390 with glutamine.
Molecular consequence: missense variant.
Genome position (GRCh38, 1-based): chr1:16,997,045, G>T on the plus strand (C>A on the coding strand, the complement: ATP13A2 is on the minus strand). VCF-style: chr1-16997045-G-T. GRCh37 (hg19) VCF-style: chr1-17323540-G-T.
Other names: c.1155C>A, p.His385Gln (NM_001141973.3, NM_001141974.3); short protein forms H385Q, H390Q.
Identifiers: ClinVar variation 1450740 (VCV001450740.8), dbSNP rs201661480, ClinGen allele CA338254990.
Genomic context (GRCh38, chr1:16,997,045, plus strand): 5'-GGGATCTCTCTCAAGCCCAGCCTCCCGGCTCATACCTGTGCGGGTCACCACTGCCAGGAC[G>T]TGCGGTCCCACATAGGCCCGGGCCTGCAAGATGAGGGTCCCGCAGAAGAGTGTGTGCCGC-3'
Protein context (NP_071372.1, residues 380-400): ILQARAYVGP[His390Gln]VLAVVTRTGF

ClinVar aggregate classification (germline): Uncertain significance (1 of 4 stars; one submission).

Conditions:
Autosomal recessive spastic paraplegia type 78. Identifiers: Orphanet 513436, MedGen C5567893, MONDO:0014975, OMIM 617225.
Kufor-Rakeb syndrome (KRS). Also called: PARKINSON DISEASE 9, AUTOSOMAL RECESSIVE, JUVENILE-ONSET. Identifiers: Orphanet 306674, Orphanet 314632, MedGen C1847640, MONDO:0011706, OMIM 606693.

gnomAD v4.1: 2 of 1,612,860 alleles (0.00012%); no homozygotes.

Submission:

Labcorp Genetics (formerly Invitae), Labcorp
Classification: Uncertain significance for Kufor-Rakeb syndrome; Autosomal recessive spastic paraplegia type 78. Last evaluated: 2021-03-04. Review status: criteria provided, single submitter. Criteria: Invitae Variant Classification Sherloc (09022015). Collection method: clinical testing. Allele origin: germline.
Comment: In summary, the available evidence is currently insufficient to determine the role of this variant in disease. Therefore, it has been classified as a Variant of Uncertain Significance. Advanced modeling of protein sequence and biophysical properties (such as structural, functional, and spatial information, amino acid conservation, physicochemical variation, residue mobility, and thermodynamic stability) performed at Invitae indicates that this missense variant is not expected to disrupt ATP13A2 protein function. This variant has not been reported in the literature in individuals with ATP13A2-related conditions. This variant is not present in population databases (ExAC no frequency). This sequence change replaces histidine with glutamine at codon 390 of the ATP13A2 protein (p.His390Gln). The histidine residue is weakly conserved and there is a small physicochemical difference between histidine and glutamine.